The following is an entry in ClinVar:

NM_001376.5(DYNC1H1):c.7981T>G (p.Leu2661Val)

Gene: DYNC1H1 (dynein cytoplasmic 1 heavy chain 1; plus strand). Cytogenetic location: 14q32.31.
Variant type: single nucleotide variant.
Coding change: c.7981T>G on transcript NM_001376.5 (MANE Select); coding-DNA position 7981, T replaced by G.
Protein change: p.Leu2661Val; replaces leucine 2661 with valine.
Molecular consequence: missense variant.
Genome position (GRCh38, 1-based): chr14:102,017,220, T>G. VCF-style: chr14-102017220-T-G. GRCh37 (hg19) VCF-style: chr14-102483557-T-G.
Other names: short protein forms L2661V.
Identifiers: ClinVar variation 1336101 (VCV001336101.11), dbSNP rs367991209, ClinGen allele CA7352911.

ClinVar aggregate classification (germline): Conflicting classifications of pathogenicity. Review status: criteria provided, conflicting classifications (1 of 4 stars). 3 submissions from 3 submitters: Uncertain significance (2); Benign (1). Last evaluated 2026-05-13.

Conditions:
Inborn genetic diseases. Identifiers: MedGen C0950123, MeSH D030342.
Charcot-Marie-Tooth disease axonal type 2O. Also called: CHARCOT-MARIE-TOOTH NEUROPATHY, AXONAL, TYPE 2O; CHARCOT-MARIE-TOOTH DISEASE, AXONAL, AUTOSOMAL DOMINANT, TYPE 2O; Charcot-Marie-Tooth Neuropathy Type 2O; Charcot-Marie-Tooth disease, axonal, type 20. Identifiers: Orphanet 284232, MedGen C3280220, MONDO:0013644, OMIM 614228.

Allele frequency attached by ClinVar (database versions not stated): ExAC 0.00304; TOPMed below 0.00001.

Submissions (3):

Ambry Genetics
Classification: Uncertain significance for Inborn genetic diseases. Last evaluated: 2026-05-13. Review status: criteria provided, single submitter. Criteria: Ambry Variant Classification Scheme 2023. Collection method: clinical testing. Allele origin: germline.
Comment: The c.7981T>G (p.L2661V) alteration is located in exon 39 (coding exon 39) of the DYNC1H1 gene. This alteration results from a T to G substitution at nucleotide position 7981, causing the leucine (L) at amino acid position 2661 to be replaced by a valine (V). Based on data from gnomAD, the G allele has an overall frequency of <0.001% (0/250772) total alleles studied. The highest observed frequency was <0.001% (/) of alleles. Based on insufficient or conflicting evidence, the clinical significance of this alteration remains unclear.

Labcorp Genetics (formerly Invitae), Labcorp
Classification: Uncertain significance for Charcot-Marie-Tooth disease axonal type 2O. Last evaluated: 2023-10-13. Review status: criteria provided, single submitter. Criteria: Invitae Variant Classification Sherloc (09022015). Collection method: clinical testing. Allele origin: germline.
Comment: This sequence change replaces leucine, which is neutral and non-polar, with valine, which is neutral and non-polar, at codon 2661 of the DYNC1H1 protein (p.Leu2661Val). This variant is not present in population databases (gnomAD no frequency). This variant has not been reported in the literature in individuals affected with DYNC1H1-related conditions. ClinVar contains an entry for this variant (Variation ID: 1336101). Advanced modeling of protein sequence and biophysical properties (such as structural, functional, and spatial information, amino acid conservation, physicochemical variation, residue mobility, and thermodynamic stability) performed at Invitae indicates that this missense variant is not expected to disrupt DYNC1H1 protein function. In summary, the available evidence is currently insufficient to determine the role of this variant in disease. Therefore, it has been classified as a Variant of Uncertain Significance.

Genetic Services Laboratory, University of Chicago
Classification: Benign. Last evaluated: 2017-07-06. Review status: criteria provided, single submitter. Criteria: ACMG Guidelines, 2015. Collection method: clinical testing. Allele origin: germline. Affected: no.